The following is an entry in ClinVar:

NM_001283009.2(RTEL1):c.3257A>G (p.Tyr1086Cys)

Genes: RTEL1 (regulator of telomere elongation helicase 1; plus strand), RTEL1-TNFRSF6B (RTEL1-TNFRSF6B readthrough (NMD candidate); plus strand). Cytogenetic location: 20q13.33.
Variant type: single nucleotide variant.
Coding change: c.3257A>G on transcript NM_001283009.2 (MANE Select); coding-DNA position 3257, A replaced by G.
Protein change: p.Tyr1086Cys; replaces tyrosine 1086 with cysteine.
Molecular consequence: missense variant. On other transcripts: non-coding transcript variant (1).
Genome position (GRCh38, 1-based): chr20:63,694,888, A>G. VCF-style: chr20-63694888-A-G. GRCh37 (hg19) VCF-style: chr20-62326241-A-G.
Other names: c.2588A>G, p.Tyr863Cys (NM_001283010.1); c.3257A>G, p.Tyr1086Cys (NM_016434.4); c.3329A>G, p.Tyr1110Cys (NM_032957.5); short protein forms Y1086C, Y1110C, Y863C.
Identifiers: ClinVar variation 3762932 (VCV003762932.2).

ClinVar aggregate classification (germline): Uncertain significance (1 of 4 stars; one submission).

Conditions:
Dyskeratosis congenita, autosomal recessive 5 (DKCB5). Identifiers: MedGen C3554656, MONDO:0014076, OMIM 615190.
Pulmonary fibrosis and/or bone marrow failure, Telomere-related, 3. Also called: PULMONARY FIBROSIS AND/OR BONE MARROW FAILURE SYNDROME, TELOMERE-RELATED, 3. Identifiers: Orphanet 2032, MedGen C4225346, MONDO:0014613, OMIM 616373.

gnomAD v4.1: 1 of 1,612,624 alleles (0.000062%); highest among the groups gnomAD compares: Admixed American, 0.0017%; no homozygotes.

Submission:

Labcorp Genetics (formerly Invitae), Labcorp
Classification: Uncertain significance for Dyskeratosis congenita, autosomal recessive 5; Pulmonary fibrosis and/or bone marrow failure, Telomere-related, 3. Last evaluated: 2024-05-10. Review status: criteria provided, single submitter. Criteria: Invitae Variant Classification Sherloc (09022015). Collection method: clinical testing. Allele origin: germline.
Comment: This sequence change replaces tyrosine, which is neutral and polar, with cysteine, which is neutral and slightly polar, at codon 1086 of the RTEL1 protein (p.Tyr1086Cys). This variant is present in population databases (no rsID available, gnomAD 0.003%). This missense change has been observed in individuals with dyskeratosis congenita (PMID: 30523342). This variant is also known as c.3329A>G (p.Tyr1110Cys). An algorithm developed to predict the effect of missense changes on protein structure and function (PolyPhen-2) suggests that this variant is likely to be disruptive. In summary, the available evidence is currently insufficient to determine the role of this variant in disease. Therefore, it has been classified as a Variant of Uncertain Significance.

Literature cited by the submitters: PubMed 30523342.